The following is an entry in ClinVar:

ClinVar aggregate classification (germline): Conflicting classifications of pathogenicity. Review status: criteria provided, conflicting classifications (1 of 4 stars). 7 submissions from 7 submitters: Uncertain significance (3); Likely benign (3). 1 of the submissions does not count toward it. Last evaluated 2026-01-28.

Conditions:
MITF-related disorder. Also called: MITF-related condition.
Tietz syndrome (TADS). Also called: ALBINISM-DEAFNESS OF TIETZ; TIETZ ALBINISM-DEAFNESS SYNDROME; HYPOPIGMENTATION/DEAFNESS OF TIETZ. Identifiers: Orphanet 42665, MedGen C0391816, MONDO:0007077, OMIM 103500.
Waardenburg syndrome type 2A (WS2A). Also called: WAARDENBURG SYNDROME WITHOUT DYSTOPIA CANTHORUM. Identifiers: Orphanet 3440, MedGen C1860339, MONDO:0008671, OMIM 193510.
Melanoma, cutaneous malignant, susceptibility to, 8. Also called: Cutaneous malignant melanoma 8; MELANOMA AND RENAL CELL CARCINOMA, SUSCEPTIBILITY TO. Identifiers: Orphanet 293822, MedGen C3152204, MONDO:0013759, OMIM 614456.
Waardenburg syndrome type 2. Identifiers: Orphanet 895, MedGen C2700265, MONDO:0019517.

Allele frequency attached by ClinVar (database versions not stated): gnomAD 0.00003; TOPMed 0.00003; gnomAD exomes 0.00008 and 0.00014; ExAC 0.00020.
gnomAD v4.1: 126 of 1,613,658 alleles (0.0078%); highest among the groups gnomAD compares: Non-Finnish European, 0.0094%; no homozygotes.

Submissions (7):

Labcorp Genetics (formerly Invitae), Labcorp
Classification: Uncertain significance for Melanoma, cutaneous malignant, susceptibility to, 8; Waardenburg syndrome type 2A; Tietz syndrome. Last evaluated: 2026-01-28. Review status: criteria provided, single submitter. Criteria: Invitae Variant Classification Sherloc (09022015). Collection method: clinical testing. Allele origin: germline.
Comment: This sequence change falls in intron 8 of the MITF gene. It does not directly change the encoded amino acid sequence of the MITF protein. It affects a nucleotide within the consensus splice site. This variant is present in population databases (rs749869303, gnomAD 0.03%). This variant has not been reported in the literature in individuals affected with MITF-related conditions. ClinVar contains an entry for this variant (Variation ID: 517197). Variants that disrupt the consensus splice site are a relatively common cause of aberrant splicing (PMID: 17576681, 9536098). Algorithms developed to predict the effect of sequence changes on RNA splicing suggest that this variant is not likely to affect RNA splicing. In summary, the available evidence is currently insufficient to determine the role of this variant in disease. Therefore, it has been classified as a Variant of Uncertain Significance.

Center for Genomic Medicine, Rigshospitalet, Copenhagen University Hospital
Classification: Likely benign. Last evaluated: 2025-03-04. Review status: criteria provided, single submitter. Criteria: ACMG Guidelines, 2015. Collection method: clinical testing. Allele origin: germline.

St. Jude Molecular Pathology, St. Jude Children's Research Hospital
Classification: Uncertain significance for Melanoma, cutaneous malignant, susceptibility to, 8. Last evaluated: 2023-04-03. Review status: criteria provided, single submitter. Criteria: St. Jude Assertion Criteria 2020. Collection method: clinical testing. Allele origin: germline.
Comment: The MITF c.1161+4C>T intronic change results in a C to T substitution at the +4 position of intron 9 of the MITF gene. Algorithms that predict the impact of sequence changes on splicing indicate that this variant does not affect splicing. This variant has a maximum subpopulation frequency of 0.026% in gnomAD v2.1.1. To our knowledge, this variant has not been reported in individuals with melanoma and renal cell carcinoma. In summary, the evidence currently available is insufficient to determine the clinical significance of this variant. It has therefore been classified as of uncertain significance.

Department of Pathology and Laboratory Medicine, Sinai Health System
Classification: Likely benign for Waardenburg syndrome type 2. Last evaluated: 2022-01-28. Review status: criteria provided, single submitter. Criteria: ACMG Guidelines, 2015. Collection method: clinical testing. Allele origin: germline. Affected: no.

GeneDx
Classification: Likely benign. Last evaluated: 2018-06-29. Review status: criteria provided, single submitter. Criteria: GeneDx Variant Classification Process June 2021. Collection method: clinical testing. Allele origin: germline. Affected: yes.

Laboratory for Molecular Medicine, Mass General Brigham Personalized Medicine
Classification: Uncertain significance. Last evaluated: 2017-01-19. Review status: criteria provided, single submitter. Criteria: LMM Criteria. Collection method: clinical testing. Allele origin: germline. Observed: 1 variant allele.
Comment: The c.1161+4C>T variant in MITF has not been previously reported in individuals with hearing loss. It has been identified in 23/65822 European chromosomes by th e Exome Aggregation Consortium (ExAC; dbSNP rs74 9869303). Although this variant has been seen in the general population, its fre quency is not high enough to rule out a pathogenic role. This variant is locate d in the 5' splice region. Computational tools do not suggest an impact to splic ing. However, this information is not predictive enough to rule out pathogenicit y. In summary, the clinical significance of the c.1161+4C>T variant is uncertain .

PreventionGenetics, part of Exact Sciences
Classification: Likely benign for MITF-related condition. Last evaluated: 2021-12-31. Review status: no assertion criteria provided. Collection method: clinical testing. Allele origin: germline. Not counted in ClinVar's aggregate classification.
Comment: This variant is classified as likely benign based on ACMG/AMP sequence variant interpretation guidelines (Richards et al. 2015 PMID: 25741868, with internal and published modifications).

Literature cited by the submitters: PubMed 17576681 (cited by Labcorp Genetics (formerly Invitae), Labcorp); PubMed 9536098 (cited by Labcorp Genetics (formerly Invitae), Labcorp).

NM_001354604.2(MITF):c.1179+4C>T

Gene: MITF (melanocyte inducing transcription factor; plus strand). Cytogenetic location: 3p13.
Variant type: single nucleotide variant.
Coding change: c.1179+4C>T on transcript NM_001354604.2 (MANE Select); 4 bases into the intron after coding-DNA position 1179, C replaced by T.
Molecular consequence: intron variant.
Genome position (GRCh38, 1-based): chr3:69,959,424, C>T. VCF-style: chr3-69959424-C-T. GRCh37 (hg19) VCF-style: chr3-70008575-C-T.
Other names: c.1110+4C>T (NM_001354607.2); c.1005+4C>T (NM_001354608.2, NM_001184967.2); c.1161+4C>T (NM_198159.3); c.1176+4C>T (NM_001354605.2); c.1158+4C>T (NM_001354606.2, NM_006722.3); c.1113+4C>T (NM_198177.3); c.858+4C>T (NM_000248.4, NM_000248.3); c.840+4C>T (NM_198158.3); and 1 more.
Identifiers: ClinVar variation 517197 (VCV000517197.22), dbSNP rs749869303, ClinGen allele CA2490590.